The following is an entry in ClinVar:

ClinVar aggregate classification (germline): Uncertain significance (1 of 4 stars; one submission).

Conditions:
Cardiovascular phenotype. Identifiers: MedGen CN230736.

Submission:

Ambry Genetics
Classification: Uncertain significance for Cardiovascular phenotype. Last evaluated: 2024-06-07. Review status: criteria provided, single submitter. Criteria: Ambry Variant Classification Scheme 2023. Collection method: clinical testing. Allele origin: germline.
Comment: The p.D604E variant (also known as c.1812C>G), located in coding exon 14 of the DSP gene, results from a C to G substitution at nucleotide position 1812. The aspartic acid at codon 604 is replaced by glutamic acid, an amino acid with highly similar properties. This amino acid position is conserved. In addition, this alteration is predicted to be tolerated by in silico analysis. Based on the available evidence, the clinical significance of this variant remains unclear.

NM_004415.4(DSP):c.1812C>G (p.Asp604Glu)

Gene: DSP (desmoplakin; plus strand). Cytogenetic location: 6p24.3.
Variant type: single nucleotide variant.
Coding change: c.1812C>G on transcript NM_004415.4 (MANE Select); coding-DNA position 1812, C replaced by G.
Protein change: p.Asp604Glu; replaces aspartic acid 604 with glutamic acid.
Molecular consequence: missense variant.
Genome position (GRCh38, 1-based): chr6:7,571,493, C>G. VCF-style: chr6-7571493-C-G. GRCh37 (hg19) VCF-style: chr6-7571726-C-G.
Other names: c.1812C>G, p.Asp604Glu (NM_001008844.3, NM_001319034.2); short protein forms D604E.
Identifiers: ClinVar variation 3273905 (VCV003273905.1).